The following is an entry in ClinVar:

ClinVar aggregate classification (germline): Uncertain significance. Review status: criteria provided, multiple submitters, no conflicts (2 of 4 stars). 6 submissions from 6 submitters: Uncertain significance (6). Last evaluated 2025-10-24.

Conditions:
Aneurysm-osteoarthritis syndrome. Also called: LOEYS-DIETZ SYNDROME WITH OSTEOARTHRITIS; SMAD3-Related Loeys-Dietz Syndrome; Loeys-Dietz syndrome, type 1C; ANEURYSMS-OSTEOARTHRITIS SYNDROME. Identifiers: Orphanet 284984, MedGen C3151087, MONDO:0013426, OMIM 613795.
Familial thoracic aortic aneurysm and aortic dissection (TAAD). Also called: Thoracic aortic aneurysms and dissections. Identifiers: Orphanet 91387, MedGen C4707243, MONDO:0019625.

Allele frequency attached by ClinVar (database versions not stated): TOPMed 0.00001.
gnomAD v4.1: 1 of 1,613,922 alleles (0.000062%); highest among the groups gnomAD compares: African/African-American, 0.0013%; no homozygotes.

Submissions (6):

Labcorp Genetics (formerly Invitae), Labcorp
Classification: Uncertain significance for Familial thoracic aortic aneurysm and aortic dissection. Last evaluated: 2025-10-24. Review status: criteria provided, single submitter. Criteria: Invitae Variant Classification Sherloc (09022015). Collection method: clinical testing. Allele origin: germline.
Comment: This sequence change replaces alanine, which is neutral and non-polar, with threonine, which is neutral and polar, at codon 312 of the SMAD3 protein (p.Ala312Thr). The frequency data for this variant in the population databases is considered unreliable, as metrics indicate poor data quality at this position in the gnomAD database. This missense change has been observed in individual(s) with clinical features of SMAD3-related conditions (external communication). ClinVar contains an entry for this variant (Variation ID: 213796). Invitae Evidence Modeling incorporating data from in vitro experimental studies (internal data) indicates that this missense variant is expected to disrupt SMAD3 function with a positive predictive value of 95%. In summary, the available evidence is currently insufficient to determine the role of this variant in disease. Therefore, it has been classified as a Variant of Uncertain Significance.

Ambry Genetics
Classification: Uncertain significance for Familial thoracic aortic aneurysm and aortic dissection. Last evaluated: 2024-10-30. Review status: criteria provided, single submitter. Criteria: Ambry Variant Classification Scheme 2023. Collection method: clinical testing. Allele origin: germline.
Comment: The p.A312T variant (also known as c.934G>A), located in coding exon 7 of the SMAD3 gene, results from a G to A substitution at nucleotide position 934. The alanine at codon 312 is replaced by threonine, an amino acid with similar properties. This amino acid position is highly conserved in available vertebrate species. In addition, this alteration is predicted to be deleterious by in silico analysis. Based on the available evidence, the clinical significance of this variant remains unclear.

GeneDx
Classification: Uncertain significance. Last evaluated: 2024-08-13. Review status: criteria provided, single submitter. Criteria: GeneDx Variant Classification Process June 2021. Collection method: clinical testing. Allele origin: germline. Affected: yes.
Comment: Has not been previously published as pathogenic or benign to our knowledge; Not observed at significant frequency in large population cohorts (gnomAD); In silico analysis indicates that this missense variant does not alter protein structure/function

All of Us Research Program, National Institutes of Health
Classification: Uncertain significance for Aneurysm-osteoarthritis syndrome. Last evaluated: 2024-08-06. Review status: criteria provided, single submitter. Criteria: ACMG Guidelines, 2015. Collection method: clinical testing. Allele origin: germline. Inheritance: Autosomal dominant inheritance. Observed: 2 variant alleles, 2 heterozygotes.
Comment: This missense variant replaces alanine with threonine at codon 312 of the SMAD3 protein. Computational prediction suggests that this variant may have deleterious impact on protein structure and function (internally defined REVEL score threshold >= 0.7, PMID: 27666373). To our knowledge, functional studies have not been reported for this variant. This variant has not been reported in individuals affected with cardiovascular disorders in the literature. This variant has been identified in 1/251456 chromosomes in the general population by the Genome Aggregation Database (gnomAD). The available evidence is insufficient to determine the role of this variant in disease conclusively. Therefore, this variant is classified as a Variant of Uncertain Significance.

This study involves interpretation of variants in research participants for the purpose of population health screening. Participant phenotype was not available at the time of variant classification. Additional details can be found in publication PMID: 35346344, PMCID: PMC8962531

Color Diagnostics, LLC DBA Color Health
Classification: Uncertain significance for Familial thoracic aortic aneurysm and aortic dissection. Last evaluated: 2022-04-25. Review status: criteria provided, single submitter. Criteria: ACMG Guidelines, 2015. Collection method: clinical testing. Allele origin: germline.
Comment: This missense variant replaces alanine with threonine at codon 312 of the SMAD3 protein. Computational prediction suggests that this variant may have deleterious impact on protein structure and function (internally defined REVEL score threshold >= 0.7, PMID: 27666373). To our knowledge, functional studies have not been reported for this variant. This variant has not been reported in individuals affected with cardiovascular disorders in the literature. This variant has been identified in 1/251456 chromosomes in the general population by the Genome Aggregation Database (gnomAD). The available evidence is insufficient to determine the role of this variant in disease conclusively. Therefore, this variant is classified as a Variant of Uncertain Significance.

Fulgent Genetics
Classification: Uncertain significance for Aneurysm-osteoarthritis syndrome. Last evaluated: 2021-09-01. Review status: criteria provided, single submitter. Criteria: ACMG Guidelines, 2015. Collection method: clinical testing. Allele origin: unknown.

NM_005902.4(SMAD3):c.934G>A (p.Ala312Thr)

Gene: SMAD3 (SMAD family member 3; plus strand). Cytogenetic location: 15q22.33.
Variant type: single nucleotide variant.
Coding change: c.934G>A on transcript NM_005902.4 (MANE Select); coding-DNA position 934, G replaced by A.
Protein change: p.Ala312Thr; replaces alanine 312 with threonine.
Molecular consequence: missense variant.
Genome position (GRCh38, 1-based): chr15:67,184,789, G>A. VCF-style: chr15-67184789-G-A. GRCh37 (hg19) VCF-style: chr15-67477127-G-A.
Other names: p.A312T:GCT>ACT; c.619G>A, p.Ala207Thr (NM_001145102.2); c.802G>A, p.Ala268Thr (NM_001145103.2); c.349G>A, p.Ala117Thr (NM_001145104.2); short protein forms A312T, A117T, A268T, A207T.
Identifiers: ClinVar variation 213796 (VCV000213796.22), dbSNP rs750756638, ClinGen allele CA322888.